The following is an entry in ClinVar:

NM_178452.6(DNAAF1):c.1549G>A (p.Ala517Thr)

Gene: DNAAF1 (dynein axonemal assembly factor 1; plus strand). Cytogenetic location: 16q24.1.
Variant type: single nucleotide variant.
Coding change: c.1549G>A on transcript NM_178452.6 (MANE Select); coding-DNA position 1549, G replaced by A.
Protein change: p.Ala517Thr; replaces alanine 517 with threonine.
Molecular consequence: missense variant.
Genome position (GRCh38, 1-based): chr16:84,172,280, G>A. VCF-style: chr16-84172280-G-A. GRCh37 (hg19) VCF-style: chr16-84205886-G-A.
Other names: c.841G>A, p.Ala281Thr (NM_001318756.1); c.1549G>A (NM_178452.4); short protein forms A281T, A517T.
Identifiers: ClinVar variation 2755650 (VCV002755650.4), dbSNP rs2088403833, ClinGen allele CA396948967.

ClinVar aggregate classification (germline): Uncertain significance. Review status: criteria provided, multiple submitters, no conflicts (2 of 4 stars). 2 submissions from 2 submitters: Uncertain significance (2). Last evaluated 2025-08-10.

Conditions:
Primary ciliary dyskinesia. Also called: Ciliary dyskinesia. Identifiers: Orphanet 244, MedGen C0008780, MONDO:0016575, HP:0012265.

Allele frequency attached by ClinVar (database versions not stated): gnomAD 0.00001; TOPMed 0.00001; gnomAD exomes 0.00002.
gnomAD v4.1: 36 of 1,614,038 alleles (0.0022%); highest among the groups gnomAD compares: South Asian, 0.0033%; no homozygotes.

Submissions (2):

Ambry Genetics
Classification: Uncertain significance for Primary ciliary dyskinesia. Last evaluated: 2025-08-10. Review status: criteria provided, single submitter. Criteria: Ambry Variant Classification Scheme 2023. Collection method: clinical testing. Allele origin: germline.

Labcorp Genetics (formerly Invitae), Labcorp
Classification: Uncertain significance for Primary ciliary dyskinesia. Last evaluated: 2024-10-22. Review status: criteria provided, single submitter. Criteria: Invitae Variant Classification Sherloc (09022015). Collection method: clinical testing. Allele origin: germline.
Comment: This sequence change replaces alanine, which is neutral and non-polar, with threonine, which is neutral and polar, at codon 517 of the DNAAF1 protein (p.Ala517Thr). This variant is not present in population databases (gnomAD no frequency). This variant has not been reported in the literature in individuals affected with DNAAF1-related conditions. An algorithm developed to predict the effect of missense changes on protein structure and function outputs the following: PolyPhen-2: "Benign". The threonine amino acid residue is found in multiple mammalian species, which suggests that this missense change does not adversely affect protein function. In summary, the available evidence is currently insufficient to determine the role of this variant in disease. Therefore, it has been classified as a Variant of Uncertain Significance.